The following is an entry in ClinVar:

NM_015102.5(NPHP4):c.3728G>C (p.Gly1243Ala)

Gene: NPHP4 (nephrocystin 4; minus strand). Cytogenetic location: 1p36.31.
Variant type: single nucleotide variant.
Coding change: c.3728G>C on transcript NM_015102.5 (MANE Select); coding-DNA position 3728, G replaced by C.
Protein change: p.Gly1243Ala; replaces glycine 1243 with alanine.
Molecular consequence: missense variant. On other transcripts: non-coding transcript variant (1).
Genome position (GRCh38, 1-based): chr1:5,865,190, C>G on the plus strand (G>C on the coding strand, the complement: NPHP4 is on the minus strand). VCF-style: chr1-5865190-C-G. GRCh37 (hg19) VCF-style: chr1-5925250-C-G.
Other names: c.3728G>C (NM_015102.3); c.2189G>C, p.Gly730Ala (NM_001291593.2); c.2192G>C, p.Gly731Ala (NM_001291594.2); short protein forms G730A, G1243A, G731A.
Identifiers: ClinVar variation 1041728 (VCV001041728.10), dbSNP rs1331083721, ClinGen allele CA338050216.

ClinVar aggregate classification (germline): Uncertain significance. Review status: criteria provided, multiple submitters, no conflicts (2 of 4 stars). 3 submissions from 3 submitters: Uncertain significance (3). Last evaluated 2025-11-03.

Conditions:
Inborn genetic diseases. Identifiers: MedGen C0950123, MeSH D030342.
Nephronophthisis. Also called: Juvenile Nephronophthisis. Identifiers: Orphanet 655, MedGen C0687120, MONDO:0019005, HP:0000090.

Allele frequency attached by ClinVar (database versions not stated): gnomAD 0.00001; TOPMed 0.00001.
gnomAD v4.1: 28 of 1,612,310 alleles (0.0017%); highest among the groups gnomAD compares: Non-Finnish European, 0.0021%; no homozygotes.

Submissions (3):

Ambry Genetics
Classification: Uncertain significance for Inborn genetic diseases. Last evaluated: 2025-11-03. Review status: criteria provided, single submitter. Criteria: Ambry Variant Classification Scheme 2023. Collection method: clinical testing. Allele origin: germline.

Blueprint Genetics
Classification: Uncertain significance. Last evaluated: 2023-08-23. Review status: criteria provided, single submitter. Criteria: ACMG Guidelines, 2015. Collection method: clinical testing. Allele origin: germline.

Labcorp Genetics (formerly Invitae), Labcorp
Classification: Uncertain significance for Nephronophthisis. Last evaluated: 2023-05-15. Review status: criteria provided, single submitter. Criteria: Invitae Variant Classification Sherloc (09022015). Collection method: clinical testing. Allele origin: germline.
Comment: ClinVar contains an entry for this variant (Variation ID: 1041728). In summary, the available evidence is currently insufficient to determine the role of this variant in disease. Therefore, it has been classified as a Variant of Uncertain Significance. Advanced modeling of protein sequence and biophysical properties (such as structural, functional, and spatial information, amino acid conservation, physicochemical variation, residue mobility, and thermodynamic stability) performed at Invitae indicates that this missense variant is expected to disrupt NPHP4 protein function. This variant is not present in population databases (gnomAD no frequency). This sequence change replaces glycine, which is neutral and non-polar, with alanine, which is neutral and non-polar, at codon 1243 of the NPHP4 protein (p.Gly1243Ala). This variant has not been reported in the literature in individuals affected with NPHP4-related conditions.